The following is an entry in ClinVar:

ClinVar aggregate classification (germline): Uncertain significance (1 of 4 stars; one submission).

Conditions:
Hereditary cancer-predisposing syndrome. Also called: Neoplastic Syndromes, Hereditary; Tumor predisposition; Hereditary Cancer Syndrome; Hereditary neoplastic syndrome. Identifiers: Orphanet 140162, MedGen C0027672, MeSH D009386, MONDO:0015356.

Submission:

Ambry Genetics
Classification: Uncertain significance for Hereditary cancer-predisposing syndrome. Last evaluated: 2021-02-26. Review status: criteria provided, single submitter. Criteria: Ambry Variant Classification Scheme 2023. Collection method: clinical testing. Allele origin: germline.
Comment: The p.F626V variant (also known as c.1876T>G), located in coding exon 11 of the ATM gene, results from a T to G substitution at nucleotide position 1876. The phenylalanine at codon 626 is replaced by valine, an amino acid with highly similar properties. This amino acid position is well conserved in available vertebrate species. In addition, the in silico prediction for this alteration is inconclusive. Since supporting evidence is limited at this time, the clinical significance of this alteration remains unclear.

NM_000051.4(ATM):c.1876T>G (p.Phe626Val)

Gene: ATM (ATM serine/threonine kinase; plus strand). Cytogenetic location: 11q22.3.
Variant type: single nucleotide variant.
Coding change: c.1876T>G on transcript NM_000051.4 (MANE Select); coding-DNA position 1876, T replaced by G.
Protein change: p.Phe626Val; replaces phenylalanine 626 with valine.
Molecular consequence: missense variant.
Genome position (GRCh38, 1-based): chr11:108,252,890, T>G. VCF-style: chr11-108252890-T-G. GRCh37 (hg19) VCF-style: chr11-108123617-T-G.
Other names: c.1876T>G, p.Phe626Val (NM_001351834.2); short protein forms F626V.
Identifiers: ClinVar variation 1781791 (VCV001781791.2), dbSNP rs2497291992, ClinGen allele CA382535998.